The following is an entry in ClinVar:

NM_001111.5(ADAR):c.879T>G (p.Phe293Leu)

Gene: ADAR (adenosine deaminase RNA specific; minus strand). Cytogenetic location: 1q21.3.
Variant type: single nucleotide variant.
Coding change: c.879T>G on transcript NM_001111.5 (MANE Select); coding-DNA position 879, T replaced by G.
Protein change: p.Phe293Leu; replaces phenylalanine 293 with leucine.
Molecular consequence: missense variant. On other transcripts: 5 prime UTR variant (6).
Genome position (GRCh38, 1-based): chr1:154,601,763, A>C on the plus strand (T>G on the coding strand, the complement: ADAR is on the minus strand). VCF-style: chr1-154601763-A-C. GRCh37 (hg19) VCF-style: chr1-154574239-A-C.
Other names: c.-7T>G (NM_001025107.3, NM_001193495.2, NM_001365046.1 and 3 more transcripts); c.906T>G, p.Phe302Leu (NM_001365045.1); c.879T>G, p.Phe293Leu (NM_015840.4, NM_015841.4); short protein forms F302L, F293L.
Identifiers: ClinVar variation 2941218 (VCV002941218.3), dbSNP rs2526657398, ClinGen allele CA342599576.

ClinVar aggregate classification (germline): Uncertain significance (1 of 4 stars; one submission).

Conditions:
Symmetrical dyschromatosis of extremities (DSH). Also called: RETICULATE ACROPIGMENTATION OF DOHI; SYMMETRIC DYSCHROMATOSIS OF THE EXTREMITIES; Dyschromatosis symmetrica hereditaria; DYSCHROMATOSIS SYMMETRICA HEREDITARIA 1. Identifiers: Orphanet 41, MedGen C0406775, MONDO:0007483, OMIM 127400.
Aicardi-Goutieres syndrome 6 (AGS6). Identifiers: Orphanet 51, MedGen C3539013, MONDO:0014007, OMIM 615010.

Submission:

Labcorp Genetics (formerly Invitae), Labcorp
Classification: Uncertain significance for Aicardi-Goutieres syndrome 6; Symmetrical dyschromatosis of extremities. Last evaluated: 2022-11-02. Review status: criteria provided, single submitter. Criteria: Invitae Variant Classification Sherloc (09022015). Collection method: clinical testing. Allele origin: germline.
Comment: In summary, the available evidence is currently insufficient to determine the role of this variant in disease. Therefore, it has been classified as a Variant of Uncertain Significance. Advanced modeling of protein sequence and biophysical properties (such as structural, functional, and spatial information, amino acid conservation, physicochemical variation, residue mobility, and thermodynamic stability) performed at Invitae indicates that this missense variant is not expected to disrupt ADAR protein function. This variant has not been reported in the literature in individuals affected with ADAR-related conditions. This variant is not present in population databases (gnomAD no frequency). This sequence change replaces phenylalanine, which is neutral and non-polar, with leucine, which is neutral and non-polar, at codon 293 of the ADAR protein (p.Phe293Leu).